The following is an entry in ClinVar:

ClinVar aggregate classification (germline): Uncertain significance. Review status: criteria provided, multiple submitters, no conflicts (2 of 4 stars). 3 submissions from 3 submitters: Uncertain significance (3). Last evaluated 2022-03-09.

Conditions:
Early-infantile DEE. Also called: Ohtahara syndrome; Early infantile epileptic encephalopathy; Early infantile epileptic encephalopathy with suppression bursts. Identifiers: Orphanet 1934, MedGen C0393706, MONDO:0800491.

Submissions (3):

Labcorp Genetics (formerly Invitae), Labcorp
Classification: Uncertain significance for Early-infantile DEE. Last evaluated: 2022-03-09. Review status: criteria provided, single submitter. Criteria: Invitae Variant Classification Sherloc (09022015). Collection method: clinical testing. Allele origin: germline.
Comment: This missense change has been observed in individual(s) with clinical features of SCN8A-related conditions (PMID: 29056246). In summary, the available evidence is currently insufficient to determine the role of this variant in disease. Therefore, it has been classified as a Variant of Uncertain Significance. Algorithms developed to predict the effect of missense changes on protein structure and function are either unavailable or do not agree on the potential impact of this missense change (SIFT: "Deleterious"; PolyPhen-2: "Probably Damaging"; Align-GVGD: "Class C0"). ClinVar contains an entry for this variant (Variation ID: 193705). This variant is not present in population databases (gnomAD no frequency). This sequence change replaces tyrosine, which is neutral and polar, with phenylalanine, which is neutral and non-polar, at codon 414 of the SCN8A protein (p.Tyr414Phe).

Blueprint Genetics
Classification: Uncertain significance. Last evaluated: 2021-05-27. Review status: criteria provided, single submitter. Criteria: ACMG Guidelines, 2015. Collection method: clinical testing. Allele origin: germline.

Eurofins Ntd Llc (ga)
Classification: Uncertain significance. Last evaluated: 2015-03-11. Review status: criteria provided, single submitter. Criteria: EGL Classification Definitions 2015. Collection method: clinical testing. Allele origin: germline. Observed: 1 variant allele, 1 heterozygote.

Literature cited by the submitters: PubMed 29056246 (cited by Labcorp Genetics (formerly Invitae), Labcorp).

NM_001330260.2(SCN8A):c.1241A>T (p.Tyr414Phe)

Gene: SCN8A (sodium voltage-gated channel alpha subunit 8; plus strand). Cytogenetic location: 12q13.13.
Variant type: single nucleotide variant.
Coding change: c.1241A>T on transcript NM_001330260.2 (MANE Select); coding-DNA position 1241, A replaced by T.
Protein change: p.Tyr414Phe; replaces tyrosine 414 with phenylalanine.
Molecular consequence: missense variant.
Genome position (GRCh38, 1-based): chr12:51,705,523, A>T. VCF-style: chr12-51705523-A-T. GRCh37 (hg19) VCF-style: chr12-52099307-A-T.
Other names: c.1241A>T, p.Tyr414Phe (NM_001177984.3, NM_001369788.1, NM_014191.4); short protein forms Y414F.
Identifiers: ClinVar variation 193705 (VCV000193705.10), dbSNP rs794727000, ClinGen allele CA239308.
Genomic context (GRCh38, chr12:51,705,523, plus strand): 5'-TCATCTTTGTGGGTTCTTTCTATCTGGTGAACTTGATCTTGGCTGTGGTGGCCATGGCTT[A>T]TGAAGAACAGAATCAGGCAACACTGGAGGAGGCAGAACAAAAAGAGGCTGAATTTAAAGC-3'
Protein context (NP_001317189.1, residues 404-424): NLILAVVAMA[Tyr414Phe]EEQNQATLEE